The following is an entry in ClinVar:

ClinVar aggregate classification (germline): Conflicting classifications of pathogenicity. Review status: criteria provided, conflicting classifications (1 of 4 stars). 4 submissions from 4 submitters: Uncertain significance (3); Likely benign (1). Last evaluated 2025-12-28.

Allele frequency attached by ClinVar (database versions not stated): gnomAD below 0.00001 and 0.00001; gnomAD exomes 0.00002 and 0.00005; ExAC 0.00007; 1000 Genomes Project 30x 0.00016; 1000 Genomes Project 0.00020.
gnomAD v4.1: 32 of 1,613,436 alleles (0.002%); highest among the groups gnomAD compares: South Asian, 0.031%; no homozygotes.

Submissions (4):

Labcorp Genetics (formerly Invitae), Labcorp
Classification: Likely benign. Last evaluated: 2025-12-28. Review status: criteria provided, single submitter. Criteria: Invitae Variant Classification Sherloc (09022015). Collection method: clinical testing. Allele origin: germline.

GeneDx
Classification: Uncertain significance. Last evaluated: 2024-08-23. Review status: criteria provided, single submitter. Criteria: GeneDx Variant Classification Process June 2021. Collection method: clinical testing. Allele origin: germline. Affected: yes.
Comment: In silico analysis supports that this missense variant has a deleterious effect on protein structure/function; Has not been previously published as pathogenic or benign to our knowledge

Blueprint Genetics
Classification: Uncertain significance. Last evaluated: 2021-05-17. Review status: criteria provided, single submitter. Criteria: ACMG Guidelines, 2015. Collection method: clinical testing. Allele origin: germline.

Laboratory for Molecular Medicine, Mass General Brigham Personalized Medicine
Classification: Uncertain significance. Last evaluated: 2016-03-22. Review status: criteria provided, single submitter. Criteria: LMM Criteria. Collection method: clinical testing. Allele origin: germline. Observed: 4 variant alleles.
Comment: The p.Tyr4169Cys variant in GPR98 has been identified by our laboratory in 2 ind ividuals with sensorineural hearing loss; however, a pathogenic variant affectin g the remaining copy of GPR98 was not identified. This variant has been identifi ed in 8/16500 South Asian chromosomes by the Exome Aggregation Consortium (ExAC; dbSNP rs373705717). Although this variant has b een seen in the general population, its frequency is not high enough to rule out a pathogenic role. Computational prediction tools and conservation analysis do not provide strong support for or against an impact to the protein. In summary, the clinical significance of the p.Tyr4169Cys variant is uncertain.

NM_032119.4(ADGRV1):c.12506A>G (p.Tyr4169Cys)

Gene: ADGRV1 (adhesion G protein-coupled receptor V1; plus strand). Cytogenetic location: 5q14.3.
Variant type: single nucleotide variant.
Coding change: c.12506A>G on transcript NM_032119.4 (MANE Select); coding-DNA position 12506, A replaced by G.
Protein change: p.Tyr4169Cys; replaces tyrosine 4169 with cysteine.
Molecular consequence: missense variant. On other transcripts: non-coding transcript variant (1).
Genome position (GRCh38, 1-based): chr5:90,776,555, A>G. VCF-style: chr5-90776555-A-G. GRCh37 (hg19) VCF-style: chr5-90072372-A-G.
Other names: short protein forms Y4169C.
Identifiers: ClinVar variation 163603 (VCV000163603.16), dbSNP rs577389548, ClinGen allele CA176227.
Genomic context (GRCh38, chr5:90,776,555, plus strand): 5'-GAGAAGTTGGGATAGCTCCGTCATCTAGGCACATCCTCATTGGGGAACCCTCAGCAAAAT[A>G]TAATGGTACCGCTATTATCAGGTAAGGACTTCATGATTTTTCTTTGCCTATATGGGGGTT-3'
Protein context (NP_115495.3, residues 4159-4179): HILIGEPSAK[Tyr4169Cys]NGTAIISLVR